The following is an entry in ClinVar:

ClinVar aggregate classification (germline): Likely pathogenic. Review status: criteria provided, single submitter (1 of 4 stars). 2 submissions from 2 submitters: Likely pathogenic (1). 1 of the submissions does not count toward it. Last evaluated 2024-03-06.

Conditions:
alpha Thalassemia. Also called: Alpha thalassemia spectrum. Identifiers: Orphanet 846, MedGen C0002312, MONDO:0011399, OMIM 604131.

Submissions (2):

ARUP Laboratories, Molecular Genetics and Genomics, ARUP Laboratories
Classification: Likely pathogenic. Last evaluated: 2024-03-06. Review status: criteria provided, single submitter. Criteria: ARUP Molecular Germline Variant Investigation Process 2024. Collection method: clinical testing. Allele origin: germline.
Comment: The HBA2 c. 73T>G; p. Tyr25Asp variant (Hb Creve Coeur, rs281864821, HbVar ID: 2501) is a mildly unstable hemoglobin documented in an individual affected with mild microcytotic anemia (see HbVar and references therein). Additionally, the other variant at this codon (c.73T>C; p. Tyr25His, also known as Hb Luxembourg) has been found in association with mild hemolytic anemia, bilirubinemia, reticulocytosis, mild Hb instability and abnormal electrophoresis, hence are considered pathogenic (Groff 1989, Moo-Penn 1991). This variant is also reported in ClinVar (Variation ID: 2413187) and is absent from the Genome Aggregation Database, indicating it is not a common polymorphism. The amino acid substitution involves the tyrosine residue at a structurally critical position as part of the alpha1beta 1 contacting interphase (Groff 1989). The tyrosine at codon 25 is weakly conserved, but computational analyses are uncertain whether this variant is neutral or deleterious (REVEL: 0.542). Based on available information, the p. Tyr25Asp variant is considered to be likely pathogenic. References: Link to HbVar database: Groff P, et al. HB Luxembourg [alpha24(B5) Tyr?His]: A New Unstable Variant. Hemoglobin. 1989;13(5):429-36. PMID: 2599879. Moo-Penn WF et al. Hb Luxembourg [alpha 24(B5)Tyr----His], Hb Maputo [beta 47(CD6)Asp----Tyr], and Hb Fukuyama [beta 77(EF1)His----Tyr]. Hemoglobin. 1991;15(1-2):97-101. PMID: 1917540.

Department of Medical Genomics, Royal Prince Alfred Hospital
Classification: Pathogenic for alpha Thalassemia. Last evaluated: 2023-02-02. Review status: no assertion criteria provided. Collection method: clinical testing. Allele origin: unknown. Affected: yes. Observed: 1 heterozygote. Not counted in ClinVar's aggregate classification.
Comment: Haemoglobin electrophoresis and iron studies were normal. Normal bilirubin level. No deletion was detected in the haemoglobin alpha locus, and no mutation was detected in the haemoglobin beta gene. The variant is reported on the HbVar database as Hb Creve Coeur, and is reported to be mildly stable with normal oxygen affinity. A different missense variant, p.(Tyr25His), known as Hb Luxembourg, is reported as a mildly unstable variant haemoglobin (PMID: 2599879, 1917540).

NM_000517.6(HBA2):c.73T>G (p.Tyr25Asp)

Genes: HBA2 (hemoglobin subunit alpha 2; plus strand), LOC106804612 (hemoglobin subunit alpha 2 recombination region; plus strand). Cytogenetic location: 16p13.3.
Variant type: single nucleotide variant.
Coding change: c.73T>G on transcript NM_000517.6 (MANE Select); coding-DNA position 73, T replaced by G.
Protein change: p.Tyr25Asp; replaces tyrosine 25 with aspartic acid.
Molecular consequence: missense variant.
Genome position (GRCh38, 1-based): chr16:172,985, T>G. VCF-style: chr16-172985-T-G. GRCh37 (hg19) VCF-style: chr16-222984-T-G.
Other names: short protein forms Y25D.
Identifiers: ClinVar variation 2413187 (VCV002413187.5), dbSNP rs281864821, ClinGen allele CA276414451.